The following is an entry in ClinVar:

NM_000132.4(F8):c.6661_6663del (p.Thr2221del)

Gene: F8 (coagulation factor VIII; minus strand). Cytogenetic location: Xq28.
Variant type: Deletion.
Coding change: c.6661_6663del on transcript NM_000132.4 (MANE Select); coding-DNA positions 6661 to 6663, 3 bases deleted (ACC; older notation c.6661_6663delACC).
Protein change: p.Thr2221del; deletes threonine 2221.
Genome position (GRCh38, 1-based): chrX:154,861,778-154,861,780, GGT deleted on the plus strand (ACC on the coding strand, the reverse complement: F8 is on the minus strand); deleting any 3 consecutive bases within chrX:154,861,778-154,861,782 gives the same sequence; the c. name uses the placement nearest the transcript's 3' end. VCF-style (leftmost placement, unchanged base first): chrX-154861777-AGGT-A. GRCh37 (hg19) VCF-style: chrX-154090052-AGGT-A.
Other names: c.6661_6663delACC (NM_000132.4); c.256_258del, p.Thr86del (NM_019863.3); short protein forms T2221del, T86del.
Identifiers: ClinVar variation 4847631 (VCV004847631.1).

ClinVar aggregate classification (germline): Uncertain significance (1 of 4 stars; one submission).

Submission:

Women's Health and Genetics/Laboratory Corporation of America, LabCorp
Classification: Uncertain significance. Last evaluated: 2026-03-27. Review status: criteria provided, single submitter. Criteria: LabCorp Variant Classification Summary - May 2015. Collection method: clinical testing. Allele origin: germline.
Comment: Variant summary: F8 c.6661_6663delACC (p.Thr2221del) results in an in-frame deletion that is predicted to remove one amino acid from the encoded protein. The variant was absent in 183424 control chromosomes. The available data on variant occurrences in the general population are insufficient to allow any conclusion about variant significance. To our knowledge, no occurrence of c.6661_6663delACC in individuals affected with F8-related conditions and no experimental evidence demonstrating its impact on protein function have been reported. No submitters have cited clinical-significance assessments for this variant to ClinVar. Based on the evidence outlined above, the variant was classified as uncertain significance.